The following is an entry in ClinVar:

NM_001605.3(AARS1):c.624C>G (p.Asp208Glu)

Gene: AARS1 (alanyl-tRNA synthetase 1; minus strand). Cytogenetic location: 16q22.1.
Variant type: single nucleotide variant.
Coding change: c.624C>G on transcript NM_001605.3 (MANE Select); coding-DNA position 624, C replaced by G.
Protein change: p.Asp208Glu; replaces aspartic acid 208 with glutamic acid.
Molecular consequence: missense variant.
Genome position (GRCh38, 1-based): chr16:70,271,828, G>C on the plus strand (C>G on the coding strand, the complement: AARS1 is on the minus strand). VCF-style: chr16-70271828-G-C. GRCh37 (hg19) VCF-style: chr16-70305731-G-C.
Other names: short protein forms D208E.
Identifiers: ClinVar variation 1042567 (VCV001042567.8), dbSNP rs1960410317, ClinGen allele CA396566564.
Genomic context (GRCh38, chr16:70,271,828, plus strand): 5'-AACCCAAGGCTACCTGTTATACTGGATGAACACAAGGTTCCAGATCTCCAGCACATTAGG[G>C]TCGTCCTGGTTGACAAGATGTGCGGCGTCCCGACCACCAATCCGGTCGTAGTGGATCTCA-3'
Protein context (NP_001596.2, residues 198-218): RDAAHLVNQD[Asp208Glu]PNVLEIWNLV

ClinVar aggregate classification (germline): Uncertain significance (1 of 4 stars; one submission).

Conditions:
Charcot-Marie-Tooth disease type 2. Also called: Charcot-Marie-Tooth type 2. Identifiers: Orphanet 64746, MedGen C0270914, MONDO:0018993.

Submission:

Labcorp Genetics (formerly Invitae), Labcorp
Classification: Uncertain significance for Charcot-Marie-Tooth disease type 2. Last evaluated: 2020-07-21. Review status: criteria provided, single submitter. Criteria: Invitae Variant Classification Sherloc (09022015). Collection method: clinical testing. Allele origin: germline.
Comment: This sequence change replaces aspartic acid with glutamic acid at codon 208 of the AARS protein (p.Asp208Glu). The aspartic acid residue is highly conserved and there is a small physicochemical difference between aspartic acid and glutamic acid. This variant is not present in population databases (ExAC no frequency). This variant has not been reported in the literature in individuals with AARS-related conditions. Algorithms developed to predict the effect of missense changes on protein structure and function are either unavailable or do not agree on the potential impact of this missense change (SIFT: "Deleterious"; PolyPhen-2: "Probably Damaging"; Align-GVGD: "Class C0"). In summary, the available evidence is currently insufficient to determine the role of this variant in disease. Therefore, it has been classified as a Variant of Uncertain Significance.